The following is an entry in ClinVar:

ClinVar aggregate classification (germline): Likely benign (0 of 4 stars; one submission).

Conditions:
CLPTM1-related disorder. Also called: CLPTM1-related condition.

Allele frequency attached by ClinVar (database versions not stated): 1000 Genomes Project 0.00040; 1000 Genomes Project 30x 0.00047; gnomAD 0.00181; TOPMed 0.00188; ExAC 0.00202; gnomAD exomes 0.00288; ESP Exome Variant Server 0.00292.
gnomAD v4.1: 4,443 of 1,613,790 alleles (0.28%); highest among the groups gnomAD compares: Non-Finnish European, 0.34%; 7 homozygotes.

Submission:

PreventionGenetics, part of Exact Sciences
Classification: Likely benign for CLPTM1-related condition. Last evaluated: 2019-11-19. Review status: no assertion criteria provided. Collection method: clinical testing. Allele origin: germline.
Comment: This variant is classified as likely benign based on ACMG/AMP sequence variant interpretation guidelines (Richards et al. 2015 PMID: 25741868, with internal and published modifications).

NM_001294.4(CLPTM1):c.1950C>T (p.Ser650=)

Gene: CLPTM1 (CLPTM1 regulator of GABA type A receptor forward trafficking; plus strand). Cytogenetic location: 19q13.32.
Variant type: single nucleotide variant.
Coding change: c.1950C>T on transcript NM_001294.4 (MANE Select); coding-DNA position 1950, C replaced by T.
Protein change: p.Ser650=; no amino-acid change (serine 650 retained).
Molecular consequence: synonymous variant.
Genome position (GRCh38, 1-based): chr19:44,992,837, C>T. VCF-style: chr19-44992837-C-T. GRCh37 (hg19) VCF-style: chr19-45496095-C-T.
Other names: c.1908C>T, p.Ser636= (NM_001282175.2); c.1644C>T, p.Ser548= (NM_001282176.2).
Identifiers: ClinVar variation 3041299 (VCV003041299.2), dbSNP rs150484293, ClinGen allele CA9507334.